The following is an entry in ClinVar:

ClinVar aggregate classification (germline): Uncertain significance. Review status: criteria provided, multiple submitters, no conflicts (2 of 4 stars). 2 submissions from 2 submitters: Uncertain significance (2). Last evaluated 2025-12-04.

Conditions:
Hereditary cancer-predisposing syndrome. Also called: Neoplastic Syndromes, Hereditary; Tumor predisposition; Hereditary neoplastic syndrome; Hereditary Cancer Syndrome. Identifiers: Orphanet 140162, MedGen C0027672, MeSH D009386, MONDO:0015356.
BAP1-related tumor predisposition syndrome (TPDS1). Also called: BAP1 tumor predisposition syndrome; TUMOR PREDISPOSITION SYNDROME 1; Tumor susceptibility linked to germline BAP1 mutations; COMMON Syndrome. Identifiers: Orphanet 289539, MedGen C3280492, MONDO:0013692, OMIM 614327.

Submissions (2):

Ambry Genetics
Classification: Uncertain significance for Hereditary cancer-predisposing syndrome. Last evaluated: 2025-12-04. Review status: criteria provided, single submitter. Criteria: Ambry Variant Classification Scheme 2023. Collection method: clinical testing. Allele origin: germline.
Comment: The p.C91Y variant (also known as c.272G>A), located in coding exon 5 of the BAP1 gene, results from a G to A substitution at nucleotide position 272. The cysteine at codon 91 is replaced by tyrosine, an amino acid with highly dissimilar properties. This alteration was non-functional in a high throughput genome editing haploid cell survival functional assay (Waters AJ et al. Nat Genet, 2024 Jul;56:1434-1445). This amino acid position is highly conserved in available vertebrate species. In addition, this alteration is predicted to be deleterious by in silico analysis. Based on the available evidence, the clinical significance of this variant remains unclear.

Labcorp Genetics (formerly Invitae), Labcorp
Classification: Uncertain significance for BAP1-related tumor predisposition syndrome. Last evaluated: 2018-03-19. Review status: criteria provided, single submitter. Criteria: Invitae Variant Classification Sherloc (09022015). Collection method: clinical testing. Allele origin: germline.
Comment: In summary, the available evidence is currently insufficient to determine the role of this variant in disease. Therefore, it has been classified as a Variant of Uncertain Significance. Algorithms developed to predict the effect of missense changes on protein structure and function (SIFT, PolyPhen-2, Align-GVGD) all suggest that this variant is likely to be disruptive, but these predictions have not been confirmed by published functional studies and their clinical significance is uncertain. This variant has not been reported in the literature in individuals with BAP1-related disease. This variant is not present in population databases (ExAC no frequency). This sequence change replaces cysteine with tyrosine at codon 91 of the BAP1 protein (p.Cys91Tyr). The cysteine residue is highly conserved and there is a large physicochemical difference between cysteine and tyrosine.

Literature cited by the submitters: PubMed 38969833 (cited by Ambry Genetics).

NM_004656.4(BAP1):c.272G>A (p.Cys91Tyr)

Gene: BAP1 (BRCA1 associated deubiquitinase 1; minus strand). Cytogenetic location: 3p21.1.
Variant type: single nucleotide variant.
Coding change: c.272G>A on transcript NM_004656.4 (MANE Select); coding-DNA position 272, G replaced by A.
Protein change: p.Cys91Tyr; replaces cysteine 91 with tyrosine.
Molecular consequence: missense variant.
Genome position (GRCh38, 1-based): chr3:52,408,061, C>T on the plus strand (G>A on the coding strand, the complement: BAP1 is on the minus strand). VCF-style: chr3-52408061-C-T. GRCh37 (hg19) VCF-style: chr3-52442077-C-T.
Other names: c.272G>A (NM_004656.2); short protein forms C91Y.
Identifiers: ClinVar variation 578902 (VCV000578902.5), dbSNP rs1559591264, ClinGen allele CA353112609.